The following is an entry in ClinVar:

ClinVar aggregate classification (germline): Uncertain significance (1 of 4 stars; one submission).

Conditions:
Spastic paraplegia. Identifiers: MedGen C0037772, HP:0001258.

gnomAD v4.1: 1 of 1,613,946 alleles (0.000062%); highest among the groups gnomAD compares: Non-Finnish European, 0.000085%; no homozygotes.

Submission:

Labcorp Genetics (formerly Invitae), Labcorp
Classification: Uncertain significance for Spastic paraplegia. Last evaluated: 2025-04-03. Review status: criteria provided, single submitter. Criteria: Invitae Variant Classification Sherloc (09022015). Collection method: clinical testing. Allele origin: germline.
Comment: This sequence change falls in intron 2 of the KIF5A gene. It does not directly change the encoded amino acid sequence of the KIF5A protein. It affects a nucleotide within the consensus splice site. This variant is not present in population databases (gnomAD no frequency). This variant has not been reported in the literature in individuals affected with KIF5A-related conditions. Variants that disrupt the consensus splice site are a relatively common cause of aberrant splicing (PMID: 17576681, 9536098). Algorithms developed to predict the effect of sequence changes on RNA splicing suggest that this variant is not likely to affect RNA splicing. In summary, the available evidence is currently insufficient to determine the role of this variant in disease. Therefore, it has been classified as a Variant of Uncertain Significance.

Literature cited by the submitters: PubMed 17576681; PubMed 9536098.

NM_004984.4(KIF5A):c.218-3C>T

Gene: KIF5A (kinesin family member 5A; plus strand). Cytogenetic location: 12q13.3.
Variant type: single nucleotide variant.
Coding change: c.218-3C>T on transcript NM_004984.4 (MANE Select); 3 bases into the intron before coding-DNA position 218, C replaced by T.
Molecular consequence: intron variant.
Genome position (GRCh38, 1-based): chr12:57,563,617, C>T. VCF-style: chr12-57563617-C-T. GRCh37 (hg19) VCF-style: chr12-57957400-C-T.
Other names: c.130-843C>T (NM_001354705.2).
Identifiers: ClinVar variation 4745687 (VCV004745687.1).